The following is an entry in ClinVar:

NM_001267550.2(TTN):c.39212-9C>A

Gene: TTN (titin; minus strand). Cytogenetic location: 2q31.2.
Variant type: single nucleotide variant.
Coding change: c.39212-9C>A on transcript NM_001267550.2 (MANE Select); 9 bases into the intron before coding-DNA position 39212, C replaced by A.
Molecular consequence: intron variant.
Genome position (GRCh38, 1-based): chr2:178,652,188, G>T on the plus strand (C>A on the coding strand, the complement: TTN is on the minus strand). VCF-style: chr2-178652188-G-T. GRCh37 (hg19) VCF-style: chr2-179516915-G-T.
Other names: c.13283-9871C>A (NM_003319.4); c.13859-9871C>A (NM_133437.4); c.13658-9871C>A (NM_133432.3); c.31910-9C>A (NM_133378.4); c.34691-9C>A (NM_001256850.1).
Identifiers: ClinVar variation 179666 (VCV000179666.24), dbSNP rs373056460, ClinGen allele CA184883.

ClinVar aggregate classification (germline): Benign/Likely benign. Review status: criteria provided, multiple submitters, no conflicts (2 of 4 stars). 10 submissions from 7 submitters: Benign (5); Likely benign (4). 1 of the submissions does not count toward it. Last evaluated 2025-07-24.

Conditions:
TTN-related disorder. Also called: TTN-related condition; TTN-related disease; TTN-related disorders.
Autosomal recessive limb-girdle muscular dystrophy type 2J (LGMDR10). Also called: MUSCULAR DYSTROPHY, LIMB-GIRDLE, AUTOSOMAL RECESSIVE 10; Limb-girdle muscular dystrophy, type 2J. Identifiers: Orphanet 140922, MedGen C1837342, MONDO:0012127, OMIM 608807.
Dilated cardiomyopathy 1G (CMD1G). Identifiers: Orphanet 154, MedGen C1858763, MONDO:0011400, OMIM 604145.
Cardiomyopathy (CMYO). Also called: Cardiomyopathies. Identifiers: Orphanet 167848, MedGen C0878544, MONDO:0004994, HP:0001638. Inheritance: Various modes of inheritance.
Myopathy, myofibrillar, 9, with early respiratory failure (MFM9). Also called: Myopathy, distal, with early respiratory failure, autosomal dominant; EDSTROM MYOPATHY; MYOPATHY, PROXIMAL, WITH EARLY RESPIRATORY MUSCLE INVOLVEMENT; Hereditary myopathy with early respiratory failure. Identifiers: Orphanet 178464, Orphanet 34521, MedGen C1863599, MONDO:0011362, OMIM 603689.
Tibial muscular dystrophy (TMD). Also called: Tibial muscular dystrophy, tardive; Udd Distal Myopathy – Tibial Muscular Dystrophy; UDD MYOPATHY. Identifiers: Orphanet 609, MedGen C1838244, MONDO:0010870, OMIM 600334.
Early-onset myopathy with fatal cardiomyopathy (CMYO5). Also called: CONGENITAL MYOPATHY 5 WITH CARDIOMYOPATHY; Salih Myopathy. Identifiers: Orphanet 289377, MedGen C2673677, MONDO:0012714, OMIM 611705. Disease mechanism: loss of function.

Allele frequency attached by ClinVar (database versions not stated): TOPMed 0.00002.
gnomAD v4.1: 48 of 1,612,074 alleles (0.003%); highest among the groups gnomAD compares: Admixed American, 0.065%; no homozygotes.

Submissions (10):

Labcorp Genetics (formerly Invitae), Labcorp
Classification: Likely benign for Dilated cardiomyopathy 1G; Autosomal recessive limb-girdle muscular dystrophy type 2J. Last evaluated: 2025-07-24. Review status: criteria provided, single submitter. Criteria: Invitae Variant Classification Sherloc (09022015). Collection method: clinical testing. Allele origin: germline.

Genome-Nilou Lab
Classification: Benign for Autosomal recessive limb-girdle muscular dystrophy type 2J. Last evaluated: 2021-09-10. Review status: criteria provided, single submitter. Criteria: ACMG Guidelines, 2015. Collection method: clinical testing. Allele origin: germline. Affected: no.

Genome-Nilou Lab
Classification: Benign for Myopathy, myofibrillar, 9, with early respiratory failure. Last evaluated: 2021-09-10. Review status: criteria provided, single submitter. Criteria: ACMG Guidelines, 2015. Collection method: clinical testing. Allele origin: germline. Affected: no.

Genome-Nilou Lab
Classification: Benign for Early-onset myopathy with fatal cardiomyopathy. Last evaluated: 2021-09-10. Review status: criteria provided, single submitter. Criteria: ACMG Guidelines, 2015. Collection method: clinical testing. Allele origin: germline. Affected: no.

Genome-Nilou Lab
Classification: Benign for Tibial muscular dystrophy. Last evaluated: 2021-09-10. Review status: criteria provided, single submitter. Criteria: ACMG Guidelines, 2015. Collection method: clinical testing. Allele origin: germline. Affected: no.

Women's Health and Genetics/Laboratory Corporation of America, LabCorp
Classification: Benign. Last evaluated: 2021-08-23. Review status: criteria provided, single submitter. Criteria: LabCorp Variant Classification Summary - May 2015. Collection method: clinical testing. Allele origin: germline.
Comment: Variant summary: TTN c.31910-9C>A alters a non-conserved nucleotide located close to a canonical splice site and therefore could affect mRNA splicing, leading to a significantly altered protein sequence. 4/4 computational tools predict no significant impact on normal splicing. However, these predictions have yet to be confirmed by functional studies. The variant allele was found at a frequency of 0.00014 in 248766 control chromosomes, predominantly at a frequency of 0.00096 within the Latino subpopulation in the gnomAD database. The observed variant frequency within Latino control individuals in the gnomAD database is approximately 2.5-fold of the estimated maximal expected allele frequency for a pathogenic variant in TTN causing Dilated Cardiomyopathy phenotype (0.00039), strongly suggesting that the variant is a benign polymorphism found primarily in populations of Latino origin. To our knowledge, no occurrence of c.31910-9C>A in individuals affected with Dilated Cardiomyopathy and no experimental evidence demonstrating its impact on protein function have been reported. A co-occurrence with a pathogenic variant has been reported (MYBPC3 c.1504C>T, p.Arg502Trp; Internal testing), providing supporting evidence for a benign role. Four ClinVar submitters (evaluation after 2014) cite the variant as likely benign. Based on the evidence outlined above, the variant was classified as benign.

GeneDx
Classification: Likely benign. Last evaluated: 2020-08-05. Review status: criteria provided, single submitter. Criteria: GeneDx Variant Classification Process June 2021. Collection method: clinical testing. Allele origin: germline. Affected: yes.

Laboratory for Molecular Medicine, Mass General Brigham Personalized Medicine
Classification: Likely benign. Last evaluated: 2019-02-13. Review status: criteria provided, single submitter. Criteria: LMM Criteria. Collection method: clinical testing. Allele origin: germline. Observed: 1 variant allele.
Comment: The c.31910-9C>A variant in TTN is classified as likely benign because it has been identified in 0.095% (33/34446) of Latino chromosomes by gnomAD and computational tools do not suggest an impact on splicing. ACMG/AMP Criteria applied: BS1, BP4.

Center for Advanced Laboratory Medicine, UC San Diego Health, University of California San Diego
Classification: Likely benign for Cardiomyopathy. Last evaluated: 2018-12-13. Review status: criteria provided, single submitter. Criteria: ACMG Guidelines, 2015. Collection method: clinical testing. Allele origin: germline. Affected: yes. Observed: 2 variant alleles.

PreventionGenetics, part of Exact Sciences
Classification: Likely benign for TTN-related condition. Last evaluated: 2020-06-05. Review status: no assertion criteria provided. Collection method: clinical testing. Allele origin: germline. Not counted in ClinVar's aggregate classification.
Comment: This variant is classified as likely benign based on ACMG/AMP sequence variant interpretation guidelines (Richards et al. 2015 PMID: 25741868, with internal and published modifications).